The following is an entry in ClinVar:

ClinVar aggregate classification (germline): Pathogenic/Likely pathogenic. Review status: criteria provided, multiple submitters, no conflicts (2 of 4 stars). 3 submissions from 3 submitters: Pathogenic (2); Likely pathogenic (1). Last evaluated 2025-03-27.

Conditions:
Oculocutaneous albinism type 1A (OCA1A). Also called: Albinism, oculocutaneous, type IA. Identifiers: Orphanet 352731, Orphanet 79431, MedGen C4551504, MONDO:0008745, OMIM 203100. Disease mechanism: loss of function.
Oculocutaneous albinism type 1B (OCA1B). Also called: YELLOW ALBINISM; ALBINISM, OCULOCUTANEOUS, TYPE IB; ALBINISM, YELLOW MUTANT TYPE. Identifiers: Orphanet 352731, Orphanet 352737, Orphanet 79434, MedGen C1847024, MONDO:0011749, OMIM 606952.
Oculocutaneous albinism type 1. Also called: Albinism 1; ALBINISM I. Identifiers: Orphanet 352731, MedGen C0268494, MONDO:0018135. Disease mechanism: loss of function.
SKIN/HAIR/EYE PIGMENTATION 3, LIGHT/DARK SKIN (SHEP3). Also called: SKIN/HAIR/EYE PIGMENTATION 3, BLUE/GREEN EYE COLOR; SKIN/HAIR/EYE PIGMENTATION 3, FRECKLING; SKIN/HAIR/EYE PIGMENTATION, VARIATION IN, 3; EYE COLOR 1; EYE COLOR, GREEN/BLUE. Identifiers: MedGen C2677190, OMIM 601800.

Allele frequency attached by ClinVar (database versions not stated): gnomAD exomes 0.00001; ExAC 0.00002.

Submissions (3):

Myriad Genetics, Inc.
Classification: Pathogenic for Oculocutaneous albinism type 1. Last evaluated: 2025-03-27. Review status: criteria provided, single submitter. Criteria: Myriad Autosomal Dominant, Autosomal Recessive and X-Linked Classification Criteria (2023). Collection method: clinical testing. Allele origin: unknown.
Comment: NM_000372.4(TYR):c.1045_1046insAT(S349Nfs*7) is a frameshift variant classified as pathogenic in the context of oculocutaneous albinism, TYR-related. S349Nfs*7 has been observed in a case with relevant disease (PMID: 33612058). Relevant functional assessments of this variant are not available in the literature. S349Nfs*7 has been observed in referenced population frequency databases. In summary, NM_000372.4(TYR):c.1045_1046insAT(S349Nfs*7) is a frameshift variant in a gene where loss of function is a known mechanism of disease, is predicted to disrupt protein function, and has been observed more frequently in cases with the relevant disease than in healthy populations. Please note: this variant was assessed in the context of healthy population screening.

Baylor Genetics
Classification: Pathogenic for SKIN/HAIR/EYE PIGMENTATION 3, LIGHT/DARK SKIN. Last evaluated: 2023-08-30. Review status: criteria provided, single submitter. Criteria: ACMG Guidelines, 2015. Collection method: clinical testing. Allele origin: unknown.

Molecular Genetics Department, Kulakov National Medical Research Center for Obstetrics, Gynecology and Perinatology
Classification: Likely pathogenic for Oculocutaneous albinism type 1A; Oculocutaneous albinism type 1B. Review status: criteria provided, single submitter. Criteria: ACMG Guidelines, 2015. Collection method: clinical testing. Allele origin: germline. Affected: yes.
Comment: A previously undescribed nucleotide variant creates a frameshift p.Ser349AsnfsTer7 in the TYR gene. Homozygous and compound heterozygous variants are reported in patients with Albinism, oculocutaneous, type IA, 203100, Albinism, oculocutaneous, type IB, 606952. The variant is present in gnomAD population database at low frequency (3/250384 chromosomes, no homozygotes). In summary, the currently available evidence indicates that the variant is pathogenic, but additional data are needed to prove that conclusively. Therefore, this variant has been classified as likely pathogenic.

Literature cited by the submitters: PubMed 33612058 (cited by Myriad Genetics, Inc.).

NM_000372.5(TYR):c.1045_1046insAT (p.Ser349fs)

Gene: TYR (tyrosinase; plus strand). Cytogenetic location: 11q14.3.
Variant type: Insertion.
Coding change: c.1045_1046insAT on transcript NM_000372.5 (MANE Select); coding-DNA positions 1045 to 1046, AT inserted.
Protein change: p.Ser349fs; shifts the reading frame from serine 349.
Molecular consequence: frameshift variant.
Genome position: GRCh38 VCF-style: chr11-89227831-A-AAT. GRCh37 (hg19) VCF-style: chr11-88960999-A-AAT.
Other names: short protein forms S349fs.
Identifiers: ClinVar variation 2679405 (VCV002679405.3), dbSNP rs770218017, ClinGen allele CA6221335.
Genomic context (GRCh38, chr11:89,227,831, plus strand): 5'-GTTTTCAGTCATTAAAGTAAACATATTTTTTTCATTTTTTTTTAATGAACAGGATTTGCT[A>AAT]GTCCACTTACTGGGATAGCGGATGCCTCTCAAAGCAGCATGCACAATGCCTTGCACATCT-3'